The following is an entry in ClinVar:

NM_020988.3(GNAO1):c.711A>C (p.Glu237Asp)

Gene: GNAO1 (G protein subunit alpha o1; plus strand). Cytogenetic location: 16q13.
Variant type: single nucleotide variant.
Coding change: c.711A>C on transcript NM_020988.3 (MANE Select); coding-DNA position 711, A replaced by C.
Protein change: p.Glu237Asp; replaces glutamic acid 237 with aspartic acid.
Molecular consequence: missense variant.
Genome position (GRCh38, 1-based): chr16:56,336,848, A>C. VCF-style: chr16-56336848-A-C. GRCh37 (hg19) VCF-style: chr16-56370760-A-C.
Other names: c.711A>C, p.Glu237Asp (NM_138736.3); short protein forms E237D.
Identifiers: ClinVar variation 4858124 (VCV004858124.1).
Genomic context (GRCh38, chr16:56,336,848, plus strand): 5'-GGACGTCACGGCCATCATTTTCTGTGTCGCGCTCAGCGGCTATGACCAGGTGCTCCACGA[A>C]GACGAAACCACGGTGAGTGGCCTGGGCCCCCCGGGCAGGGGGCAGCGCTGAGGAGACGGC-3'
Protein context (NP_066268.1, residues 227-247): ALSGYDQVLH[Glu237Asp]DETTNRMHES

ClinVar aggregate classification (germline): Likely pathogenic (1 of 4 stars; one submission).

Conditions:
Inborn genetic diseases. Identifiers: MedGen C0950123, MeSH D030342.

Submission:

Ambry Genetics
Classification: Likely pathogenic for Inborn genetic diseases. Last evaluated: 2026-06-01. Review status: criteria provided, single submitter. Criteria: Ambry Variant Classification Scheme 2023. Collection method: clinical testing. Allele origin: germline.
Comment: The c.711A>C (p.E237D) alteration is located in exon 6 (coding exon 6) of the GNAO1 gene. This alteration results from an A to C substitution at nucleotide position 711, causing the glutamic acid (E) at amino acid position 237 to be replaced by an aspartic acid (D). This variant was not reported in population-based cohorts in the Genome Aggregation Database (gnomAD). This variant was reported in individual(s) with features consistent with GNAO1-related neurologic disorder; in at least one individual, it was determined to be de novo (Fehlings, 2024). Other variant(s) at the same codon, c.709G>A (p.E237K), have been identified in individual(s) with features consistent with GNAO1-related neurologic disorder (C&oacute;rdoba, 2018). This amino acid position is highly conserved in available vertebrate species. This missense variant is located in a region that has a low rate of benign missense variation (Lek, 2016; Firth, 2009). This alteration is predicted to be deleterious by in silico analysis. Based on the available evidence, this alteration is classified as likely pathogenic.

Literature cited by the submitters: PubMed 29389947; PubMed 38553553.